The following is an entry in ClinVar:

ClinVar aggregate classification (germline): Likely pathogenic. Review status: criteria provided, multiple submitters, no conflicts (2 of 4 stars). 2 submissions from 2 submitters: Likely pathogenic (2). Last evaluated 2025-04-16.

Conditions:
Fanconi anemia complementation group L (FANCL). Also called: FANCL-Related Fanconi Anemia. Identifiers: Orphanet 84, MedGen C3469528, MONDO:0013566, OMIM 614083.
Fanconi anemia (FA). Also called: Fanconi's anemia. Identifiers: Orphanet 84, MedGen C0015625, MeSH D005199, MONDO:0019391.

Allele frequency attached by ClinVar (database versions not stated): TOPMed 0.00003 and 0.00016; gnomAD 0.00005.

Submissions (2):

Women's Health and Genetics/Laboratory Corporation of America, LabCorp
Classification: Likely pathogenic for Fanconi anemia. Last evaluated: 2025-04-16. Review status: criteria provided, single submitter. Criteria: LabCorp Variant Classification Summary - May 2015. Collection method: clinical testing. Allele origin: germline.
Comment: Variant summary: FANCL c.1051_1052dupAG (p.Ser351ArgfsX19) results in a premature termination codon, not anticipated to result in nonsense mediated decay, but predicted to cause a truncation of the encoded protein, disrupting the last 25 amino acids of the FANCL protein. This truncation is expected to remove two conserved, metal ion binding Cys residues that are part of the RING-type Zinc finger domain of the FANCL protein (amino acids 307 - 365; UniProt). This C-terminal domain is necessary for monoubiquitination of FANCD2 (see e.g. PMID 32048394). The variant allele was found at a frequency of 4e-06 in 250738 control chromosomes (gnomAD). To our knowledge, no occurrence of c.1051_1052dupAG in individuals affected with Fanconi Anemia and no experimental evidence demonstrating its impact on protein function have been reported. However, a downstream truncation variant (c.1096_1099dupATTA (p.Thr367AsnfsX13)), has been reported in the literature in a compound heterozygous patient with milder features of Fanconi anemia (FA), and functional studies suggested that this variant results in a partial loss of FANCL activity, indicating a hypomorphic effect for the variant; this study also demonstrated that the variant found on the opposite allele (in trans) in this patient was a functionally null mutation (PMID 19405097). On the other hand, the variant, c.1095_1098dupAATT, was also reported t in several homozygous control individuals in the gnomAD database, suggesting that this variant might not be sufficient to cause FA phenotype in homozygous state. An overlapping truncation variant (c.1048_1051delCAGA (p.Gln350ValfsX18)), was also described in the literature in a heterozygous patient with premature ovary insufficiency (POI), and authors of this study demonstrated that while the wildtype FANCL protein was predominantly localized in the nuclei, the variant FANCL protein was retained in the cytoplasm, in addition, this variant resulted in loss of ubiquitinligase activity and decreased DNA damage repair capacity (PMID 32048394). Based on their findings, authors proposed haploinsufficiency as a potential causative mechanism for the (provisional) POI phenotype. Other functional studies have shown that Cys 357 is essential for FANCL ubiquitin ligase activity (PMID: 19111657, 17938197). These findings demonstrate that this region of FANCL is critically important to protein function and a disruption is likely to cause disease. ClinVar contains an entry for this variant (Variation ID: 1027625). Based on the evidence outlined above, the variant was classified as likely pathogenic.

Fulgent Genetics
Classification: Likely pathogenic for Fanconi anemia complementation group L. Last evaluated: 2024-04-17. Review status: criteria provided, single submitter. Criteria: ACMG Guidelines, 2015. Collection method: clinical testing. Allele origin: germline.

NM_018062.4(FANCL):c.1051_1052dup (p.Ser351fs)

Gene: FANCL (FA complementation group L; minus strand). Cytogenetic location: 2p16.1.
Variant type: Microsatellite.
Coding change: c.1051_1052dup on transcript NM_018062.4 (MANE Select); coding-DNA positions 1051 to 1052, 2 bases duplicated (AG; older notation c.1051_1052dupAG).
Protein change: p.Ser351fs; shifts the reading frame from serine 351.
Molecular consequence: frameshift variant.
Genome position (GRCh38, 1-based): chr2:58,160,148-58,160,149, CT duplicated on the plus strand (AG on the coding strand, the reverse complement: FANCL is on the minus strand); duplicating any 2 consecutive bases within chr2:58,160,148-58,160,151 gives the same sequence; the c. name uses the placement nearest the transcript's 3' end. VCF-style (leftmost placement, unchanged base first): chr2-58160147-A-ACT. GRCh37 (hg19) VCF-style: chr2-58387282-A-ACT.
Other names: c.1064_1065AG[3], p.Ser356Argfs (NM_001114636.2); c.1096_1097dup, p.Ser366fs (NM_001374615.1); c.1111_1112dup, p.Ser371fs (NM_001410792.1); c.1051_1052dup (NM_018062.3); c.1051_1052dupAG (NM_018062.4, NM_018062.3); short protein forms S351fs, S356fs, S366fs, S371fs.
Identifiers: ClinVar variation 1027625 (VCV001027625.5), dbSNP rs750871999, ClinGen allele CA1670320.